The following is an entry in ClinVar:

ClinVar aggregate classification (germline): Uncertain significance (1 of 4 stars; one submission).

Conditions:
Early-infantile DEE. Also called: Ohtahara syndrome; Early infantile epileptic encephalopathy; Early infantile epileptic encephalopathy with suppression bursts. Identifiers: Orphanet 1934, MedGen C0393706, MONDO:0800491.

Submission:

Labcorp Genetics (formerly Invitae), Labcorp
Classification: Uncertain significance for Early-infantile DEE. Last evaluated: 2021-01-29. Review status: criteria provided, single submitter. Criteria: Invitae Variant Classification Sherloc (09022015). Collection method: clinical testing. Allele origin: germline.
Comment: In summary, the available evidence is currently insufficient to determine the role of this variant in disease. Therefore, it has been classified as a Variant of Uncertain Significance. Algorithms developed to predict the effect of missense changes on protein structure and function are either unavailable or do not agree on the potential impact of this missense change (SIFT: "Deleterious"; PolyPhen-2: "Probably Damaging"; Align-GVGD: "Class C0"). This variant has not been reported in the literature in individuals with SPTAN1-related conditions. This variant is not present in population databases (ExAC no frequency). This sequence change replaces leucine with methionine at codon 1765 of the SPTAN1 protein (p.Leu1765Met). The leucine residue is highly conserved and there is a small physicochemical difference between leucine and methionine.

NM_001130438.3(SPTAN1):c.5293C>A (p.Leu1765Met)

Gene: SPTAN1 (spectrin alpha, non-erythrocytic 1; plus strand). Cytogenetic location: 9q34.11.
Variant type: single nucleotide variant.
Coding change: c.5293C>A on transcript NM_001130438.3 (MANE Select); coding-DNA position 5293, C replaced by A.
Protein change: p.Leu1765Met; replaces leucine 1765 with methionine.
Molecular consequence: missense variant.
Genome position (GRCh38, 1-based): chr9:128,615,776, C>A. VCF-style: chr9-128615776-C-A. GRCh37 (hg19) VCF-style: chr9-131378055-C-A.
Other names: c.5218C>A, p.Leu1740Met (NM_001195532.2); c.5293C>A, p.Leu1765Met (NM_001363759.2, NM_001375310.1, NM_001375311.2 and 1 more transcripts); c.5233C>A, p.Leu1745Met (NM_001363765.2, NM_001375314.2); c.5329C>A, p.Leu1777Met (NM_001375312.2, NM_001375318.1); c.5278C>A, p.Leu1760Met (NM_003127.4); short protein forms L1740M, L1760M, L1765M, L1777M, L1745M.
Identifiers: ClinVar variation 1482339 (VCV001482339.9), dbSNP rs2131745997, ClinGen allele CA375074819.
Genomic context (GRCh38, chr9:128,615,776, plus strand): 5'-GACACCATCAACGGGCGCTTCCAGAAGATCAAGAGCATGGCGGCCTCCCGGCGAGCCAAG[C>A]TGAATGAATCCCATCGCCTGCACCAGTTCTTCCGGGACATGGATGACGAGGAGTCCTGGA-3'
Protein context (NP_001123910.1, residues 1755-1775): KSMAASRRAK[Leu1765Met]NESHRLHQFF